The following is an entry in ClinVar:

NM_002471.4(MYH6):c.5203G>A (p.Asp1735Asn)

Gene: MYH6 (myosin heavy chain 6; minus strand). Cytogenetic location: 14q11.2.
Variant type: single nucleotide variant.
Coding change: c.5203G>A on transcript NM_002471.4 (MANE Select); coding-DNA position 5203, G replaced by A.
Protein change: p.Asp1735Asn; replaces aspartic acid 1735 with asparagine.
Molecular consequence: missense variant.
Genome position (GRCh38, 1-based): chr14:23,385,002, C>T on the plus strand (G>A on the coding strand, the complement: MYH6 is on the minus strand). VCF-style: chr14-23385002-C-T. GRCh37 (hg19) VCF-style: chr14-23854211-C-T.
Other names: short protein forms D1735N.
Identifiers: ClinVar variation 3383536 (VCV003383536.1).

ClinVar aggregate classification (germline): Uncertain significance (1 of 4 stars; one submission).

gnomAD v4.1: 2 of 1,614,242 alleles (0.00012%); highest among the groups gnomAD compares: Non-Finnish European, 0.00017%; no homozygotes.

Submission:

GeneDx
Classification: Uncertain significance. Last evaluated: 2024-05-30. Review status: criteria provided, single submitter. Criteria: GeneDx Variant Classification Process June 2021. Collection method: clinical testing. Allele origin: germline. Affected: yes.
Comment: Not observed at significant frequency in large population cohorts (gnomAD); In silico analysis supports that this missense variant has a deleterious effect on protein structure/function; Has not been previously published as pathogenic or benign to our knowledge